The following is an entry in ClinVar:

NM_005154.5(USP8):c.104+5G>C

Gene: USP8 (ubiquitin specific peptidase 8; plus strand). Cytogenetic location: 15q21.2.
Variant type: single nucleotide variant.
Coding change: c.104+5G>C on transcript NM_005154.5 (MANE Select); 5 bases into the intron after coding-DNA position 104, G replaced by C.
Molecular consequence: intron variant.
Genome position (GRCh38, 1-based): chr15:50,439,182, G>C. VCF-style: chr15-50439182-G-C. GRCh37 (hg19) VCF-style: chr15-50731379-G-C.
Other names: c.104+5G>C (NM_001128610.3, NM_001283049.2).
Identifiers: ClinVar variation 2910296 (VCV002910296.3), dbSNP rs1186593531, ClinGen allele CA617872812.
Genomic context (GRCh38, chr15:50,439,182, plus strand): 5'-CTAAAAGACCTTAATAAGAAGACAGAAGTTAAACCAGAGAAAATAAGCACTAAGAGGTAT[G>C]ATGTATCCTTCGCTAGTTTGATTGAATCAAATATTAATTTTTAGTTCGTTTCCATATTAA-3'

ClinVar aggregate classification (germline): Uncertain significance (1 of 4 stars; one submission).

Conditions:
Hereditary spastic paraplegia. Also called: Familial spastic paraparesis. Identifiers: Orphanet 685, MedGen C0037773, MONDO:0019064. Disease mechanism: loss of function.

Allele frequency attached by ClinVar (database versions not stated): gnomAD 0.00001.
gnomAD v4.1: 3 of 1,456,878 alleles (0.00021%); highest among the groups gnomAD compares: African/African-American, 0.0029%; no homozygotes.

Submission:

Labcorp Genetics (formerly Invitae), Labcorp
Classification: Uncertain significance for Hereditary spastic paraplegia. Last evaluated: 2024-03-01. Review status: criteria provided, single submitter. Criteria: Invitae Variant Classification Sherloc (09022015). Collection method: clinical testing. Allele origin: germline.
Comment: This sequence change falls in intron 2 of the USP8 gene. It does not directly change the encoded amino acid sequence of the USP8 protein. It affects a nucleotide within the consensus splice site. This variant is present in population databases (no rsID available, gnomAD 0.007%). This variant has not been reported in the literature in individuals affected with USP8-related conditions. Variants that disrupt the consensus splice site are a relatively common cause of aberrant splicing (PMID: 17576681, 9536098). Algorithms developed to predict the effect of sequence changes on RNA splicing suggest that this variant may create or strengthen a splice site. In summary, the available evidence is currently insufficient to determine the role of this variant in disease. Therefore, it has been classified as a Variant of Uncertain Significance.

Literature cited by the submitters: PubMed 17576681; PubMed 9536098.